The following is an entry in ClinVar:

NM_001164508.2(NEB):c.23175dup (p.Asn7726fs)

Genes: NEB (nebulin; minus strand), RIF1 (replication timing regulatory factor 1; plus strand). Cytogenetic location: 2q23.3.
Variant type: Duplication.
Coding change: c.23175dup on transcript NM_001164508.2 (MANE Select); coding-DNA position 23175, one base duplicated (G; older notation c.23175dupG).
Protein change: p.Asn7726fs; shifts the reading frame from asparagine 7726.
Molecular consequence: frameshift variant.
Genome position (GRCh38, 1-based): chr2:151,513,646, C duplicated on the plus strand (G on the coding strand, the reverse complement: NEB is on the minus strand). VCF-style (leftmost placement, unchanged base first): chr2-151513645-T-TC. GRCh37 (hg19) VCF-style: chr2-152370159-T-TC.
Other names: c.23175dup, p.Asn7726fs (NM_001164507.2); c.23280dup, p.Asn7761fs (NM_001271208.2); c.18072dup, p.Asn6025fs (NM_004543.5); short protein forms N7726fs, N6025fs, N7761fs.
Identifiers: ClinVar variation 2842680 (VCV002842680.3), dbSNP rs2552076605, ClinGen allele CA2739271299.
Genomic context (GRCh38, chr2:151,513,645, plus strand): 5'-TGGCAATATCAGTAGCATTCCTGGCCCTCATAAAATCCGGAGTTTCATTGGCCATGGCAT[T>TC]CAGGCCTCTTCCTTTGACTTCCAGTTCCAGGTCTCGCTTATATTCTTTCTATAGTAGCAT-3'

ClinVar aggregate classification (germline): Pathogenic (1 of 4 stars; one submission).

Conditions:
Nemaline myopathy 2 (NEM2). Also called: Nemaline myopathy 2, autosomal recessive. Identifiers: MedGen C1850569, MONDO:0009725, OMIM 256030.

Submission:

Labcorp Genetics (formerly Invitae), Labcorp
Classification: Pathogenic for Nemaline myopathy 2. Last evaluated: 2023-03-03. Review status: criteria provided, single submitter. Criteria: Invitae Variant Classification Sherloc (09022015). Collection method: clinical testing. Allele origin: germline.
Comment: For these reasons, this variant has been classified as Pathogenic. This variant has not been reported in the literature in individuals affected with NEB-related conditions. This variant is not present in population databases (gnomAD no frequency). This sequence change creates a premature translational stop signal (p.Asn7761Glufs*6) in the NEB gene. It is expected to result in an absent or disrupted protein product. Loss-of-function variants in NEB are known to be pathogenic (PMID: 25205138).

Literature cited by the submitters: PubMed 25205138.